The following is an entry in ClinVar:

ClinVar aggregate classification (germline): Uncertain significance. Review status: criteria provided, multiple submitters, no conflicts (2 of 4 stars). 5 submissions from 5 submitters: Uncertain significance (5). Last evaluated 2025-05-29.

Conditions:
CEP164-related disorder. Also called: CEP164-related condition.
Nephronophthisis 15 (NPHP15). Identifiers: Orphanet 3156, MedGen C3541853, MONDO:0013917, OMIM 614845.
Inborn genetic diseases. Identifiers: MedGen C0950123, MeSH D030342.

Allele frequency attached by ClinVar (database versions not stated): TOPMed 0.00002; ESP Exome Variant Server 0.00015.
gnomAD v4.1: 25 of 1,614,042 alleles (0.0015%); highest among the groups gnomAD compares: South Asian, 0.0055%; no homozygotes.

Submissions (5):

PreventionGenetics, part of Exact Sciences
Classification: Uncertain significance for CEP164-related condition. Last evaluated: 2025-05-29. Review status: criteria provided, single submitter. Criteria: ACMG Guidelines, 2015. Collection method: clinical testing. Allele origin: germline.
Comment: The CEP164 c.3373C>T variant is predicted to result in the amino acid substitution p.Arg1125Trp. To our knowledge, this variant has not been reported in the literature. This variant is reported in 0.0065% of alleles in individuals of South Asian descent in gnomAD. At this time, the clinical significance of this variant is uncertain due to the absence of conclusive functional and genetic evidence.

Genomic Medicine Center of Excellence, King Faisal Specialist Hospital and Research Centre
Classification: Uncertain significance for Nephronophthisis 15. Last evaluated: 2024-03-25. Review status: criteria provided, single submitter. Criteria: ACMG Guidelines, 2015. Collection method: research. Allele origin: germline.

Ambry Genetics
Classification: Uncertain significance for Inborn genetic diseases. Last evaluated: 2024-03-07. Review status: criteria provided, single submitter. Criteria: Ambry Variant Classification Scheme 2023. Collection method: clinical testing. Allele origin: germline.

Labcorp Genetics (formerly Invitae), Labcorp
Classification: Uncertain significance for Nephronophthisis 15. Last evaluated: 2023-07-10. Review status: criteria provided, single submitter. Criteria: Invitae Variant Classification Sherloc (09022015). Collection method: clinical testing. Allele origin: germline.
Comment: This sequence change replaces arginine, which is basic and polar, with tryptophan, which is neutral and slightly polar, at codon 1125 of the CEP164 protein (p.Arg1125Trp). This variant is present in population databases (rs372830445, gnomAD 0.006%). This variant has not been reported in the literature in individuals affected with CEP164-related conditions. ClinVar contains an entry for this variant (Variation ID: 2064586). Advanced modeling of protein sequence and biophysical properties (such as structural, functional, and spatial information, amino acid conservation, physicochemical variation, residue mobility, and thermodynamic stability) has been performed at Invitae for this missense variant, however the output from this modeling did not meet the statistical confidence thresholds required to predict the impact of this variant on CEP164 protein function. In summary, the available evidence is currently insufficient to determine the role of this variant in disease. Therefore, it has been classified as a Variant of Uncertain Significance.

Revvity Omics, Revvity
Classification: Uncertain significance for Nephronophthisis 15. Last evaluated: 2021-01-09. Review status: criteria provided, single submitter. Criteria: ACMG Guidelines, 2015. Collection method: clinical testing. Allele origin: germline.

NM_014956.5(CEP164):c.3373C>T (p.Arg1125Trp)

Gene: CEP164 (centrosomal protein 164; plus strand). Cytogenetic location: 11q23.3.
Variant type: single nucleotide variant.
Coding change: c.3373C>T on transcript NM_014956.5 (MANE Select); coding-DNA position 3373, C replaced by T.
Protein change: p.Arg1125Trp; replaces arginine 1125 with tryptophan.
Molecular consequence: missense variant.
Genome position (GRCh38, 1-based): chr11:117,397,185, C>T. VCF-style: chr11-117397185-C-T. GRCh37 (hg19) VCF-style: chr11-117267901-C-T.
Other names: c.3373C>T (NM_014956.4); c.3382C>T, p.Arg1128Trp (NM_001271933.2); short protein forms R1125W, R1128W.
Identifiers: ClinVar variation 2064586 (VCV002064586.9), dbSNP rs372830445, ClinGen allele CA6295433.